The following is an entry in ClinVar:

NM_006361.6(HOXB13):c.611G>A (p.Gly204Glu)

Gene: HOXB13 (homeobox B13; minus strand). Cytogenetic location: 17q21.32.
Variant type: single nucleotide variant.
Coding change: c.611G>A on transcript NM_006361.6 (MANE Select); coding-DNA position 611, G replaced by A.
Protein change: p.Gly204Glu; replaces glycine 204 with glutamic acid.
Molecular consequence: missense variant.
Genome position (GRCh38, 1-based): chr17:48,727,034, C>T on the plus strand (G>A on the coding strand, the complement: HOXB13 is on the minus strand). VCF-style: chr17-48727034-C-T. GRCh37 (hg19) VCF-style: chr17-46804396-C-T.
Other names: short protein forms G204E.
Identifiers: ClinVar variation 826190 (VCV000826190.5), dbSNP rs1206296287, ClinGen allele CA400107057.
Genomic context (GRCh38, chr17:48,727,034, plus strand): 5'-CTGTACGGAATGCGTTTCTTGCGGCCGCGACGAAAGGCGCAGGCGTCAGGAGGGTGCTGC[C>T]CGCTGGAGTCTGCGCGGCGTGAAAGGGAGGGAGGAAAAGGCATGGTCAGATACCCACCCA-3'
Protein context (NP_006352.2, residues 194-214): FWKAAFADSS[Gly204Glu]QHPPDACAFR

ClinVar aggregate classification (germline): Uncertain significance (1 of 4 stars; one submission).

Conditions:
Hereditary cancer-predisposing syndrome. Also called: Neoplastic Syndromes, Hereditary; Tumor predisposition; Hereditary neoplastic syndrome; Hereditary Cancer Syndrome. Identifiers: Orphanet 140162, MedGen C0027672, MeSH D009386, MONDO:0015356.

Allele frequency attached by ClinVar (database versions not stated): TOPMed 0.00001.

Submission:

Ambry Genetics
Classification: Uncertain significance for Hereditary cancer-predisposing syndrome. Last evaluated: 2023-01-21. Review status: criteria provided, single submitter. Criteria: Ambry Variant Classification Scheme 2023. Collection method: clinical testing. Allele origin: germline.
Comment: The p.G204E variant (also known as c.611G>A), located in coding exon 2 of the HOXB13 gene, results from a G to A substitution at nucleotide position 611. The glycine at codon 204 is replaced by glutamic acid, an amino acid with similar properties. This amino acid position is poorly conserved in available vertebrate species. In addition, this alteration is predicted to be tolerated by in silico analysis. Since supporting evidence is limited at this time, the clinical significance of this alteration remains unclear.